The following is an entry in ClinVar:

ClinVar aggregate classification (germline): Pathogenic. Review status: criteria provided, multiple submitters, no conflicts (2 of 4 stars). 6 submissions from 6 submitters: Pathogenic (5). 1 of the submissions does not count toward it. Last evaluated 2025-08-06.

Conditions:
Tyrosinemia type I (TYRSN1). Also called: Tyrosinemia type 1; Fumarylacetoacetase deficiency; Deficiency of fumarylacetoacetase; FAH DEFICIENCY; HEPATORENAL TYROSINEMIA. Identifiers: Orphanet 882, MedGen C0268490, MONDO:0010161, OMIM 276700. Disease mechanism: loss of function.

Allele frequency attached by ClinVar (database versions not stated): ExAC 0.00001; gnomAD exomes 0.00001 and below 0.00001; TOPMed below 0.00001.
gnomAD v4.1: 18 of 1,614,112 alleles (0.0011%); highest among the groups gnomAD compares: Non-Finnish European, 0.0015%; no homozygotes.

Submissions (6):

Natera, Inc.
Classification: Pathogenic for Tyrosinemia type I. Last evaluated: 2025-08-06. Review status: criteria provided, single submitter. Criteria: Natera Variant Classification Schema (03/2026). Collection method: clinical testing. Allele origin: germline.
Comment: The c.520C>T variant in FAH is a nonsense variant predicted to introduce a stop codon at amino acid 174. This variant is expected to result in nonsense mediated decay, truncation, or a dysfunctional protein product. This variant is rare in the general population with a frequency below the threshold expected for the associated phenotype(s). This variant has been observed in one or more individuals affected with the associated recessive disease, as either homozygous or compound heterozygous with a second variant (PMID: 23430822). Given the available evidence, this variant is classified as Pathogenic.

Labcorp Genetics (formerly Invitae), Labcorp
Classification: Pathogenic for Tyrosinemia type I. Last evaluated: 2024-11-17. Review status: criteria provided, single submitter. Criteria: Invitae Variant Classification Sherloc (09022015). Collection method: clinical testing. Allele origin: germline.
Comment: This sequence change creates a premature translational stop signal (p.Arg174*) in the FAH gene. It is expected to result in an absent or disrupted protein product. Loss-of-function variants in FAH are known to be pathogenic (PMID: 9101289, 9633815). This variant is present in population databases (rs781496816, gnomAD 0.003%). This premature translational stop signal has been observed in individuals with tyrosinemia type I (PMID: 8723690, 23225041, 23430822). ClinVar contains an entry for this variant (Variation ID: 188751). Algorithms developed to predict the effect of sequence changes on RNA splicing suggest that this variant may disrupt the consensus splice site. For these reasons, this variant has been classified as Pathogenic.

Fulgent Genetics
Classification: Pathogenic for Tyrosinemia type I. Last evaluated: 2024-04-17. Review status: criteria provided, single submitter. Criteria: ACMG Guidelines, 2015. Collection method: clinical testing. Allele origin: germline.

GeneDx
Classification: Pathogenic. Last evaluated: 2020-04-15. Review status: criteria provided, single submitter. Criteria: GeneDx Variant Classification Process June 2021. Collection method: clinical testing. Allele origin: germline. Affected: yes.
Comment: Nonsense variant predicted to result in protein truncation or nonsense mediated decay in a gene for which loss-of-function is a known mechanism of disease; Not observed at a significant frequency in large population cohorts (Lek et al., 2016); This variant is associated with the following publications: (PMID: 25525159, 25681080, 23225041, 9101289, 9633815, 8723690, 23430822, 30414057)

Women's Health and Genetics/Laboratory Corporation of America, LabCorp
Classification: Pathogenic for Tyrosinemia type I. Last evaluated: 2018-03-19. Review status: criteria provided, single submitter. Criteria: LabCorp Variant Classification Summary - May 2015. Collection method: clinical testing. Allele origin: germline.
Comment: Variant summary: FAH c.520C>T (p.Arg174X) results in a premature termination codon, predicted to cause a truncation of the encoded protein or absence of the protein due to nonsense mediated decay, which are commonly known mechanisms for disease. A truncation downstream of this position has been classified as pathogenic by our laboratory (e.g. c.1069G>T (p.Glu357X)). The variant allele was found at a frequency of 4.1e-06 in 246500 control chromosomes (in gnomAD and publication data). c.520C>T has been reported in the literature in individuals affected with Tyrosinemia Type 1 (Timmers 1996, Heath 2002, Dursun 2011). These data indicate that the variant is likely to be associated with disease. To our knowledge, no experimental evidence demonstrating an impact on protein function has been reported. One clinical diagnostic laboratory has submitted clinical-significance assessments for this variant to ClinVar after 2014 without evidence for independent evaluation, and classified the variant as pathogenic. Based on the evidence outlined above, the variant was classified as pathogenic.

Counsyl
Classification: Likely pathogenic for Tyrosinemia type I. Last evaluated: 2014-04-09. Review status: no assertion criteria provided. Collection method: literature only. Allele origin: unknown. Inheritance: Autosomal recessive inheritance. Not counted in ClinVar's aggregate classification.

Literature cited by the submitters: PubMed 23430822 (cited by 4 submitters); PubMed 9101289 (cited by Labcorp Genetics (formerly Invitae), Labcorp and Counsyl); PubMed 9633815 (cited by Labcorp Genetics (formerly Invitae), Labcorp); PubMed 8723690 (cited by 3 submitters); PubMed 23225041 (cited by Labcorp Genetics (formerly Invitae), Labcorp and Counsyl); PubMed 12555948 (cited by Women's Health and Genetics/Laboratory Corporation of America, LabCorp).

NM_000137.4(FAH):c.520C>T (p.Arg174Ter)

Gene: FAH (fumarylacetoacetate hydrolase; plus strand). Cytogenetic location: 15q25.1.
Variant type: single nucleotide variant.
Coding change: c.520C>T on transcript NM_000137.4 (MANE Select); coding-DNA position 520, C replaced by T.
Protein change: p.Arg174Ter; replaces arginine 174 with a stop codon.
Molecular consequence: nonsense.
Genome position (GRCh38, 1-based): chr15:80,168,116, C>T. VCF-style: chr15-80168116-C-T. GRCh37 (hg19) VCF-style: chr15-80460458-C-T.
Other names: c.520C>T, p.Arg174Ter (NM_001374377.1, NM_001374380.1); short protein forms R174*.
Identifiers: ClinVar variation 188751 (VCV000188751.22), dbSNP rs781496816, ClinGen allele CA273910.